The following is an entry in ClinVar:

NM_001142800.2(EYS):c.8678del (p.Asn2893fs)

Genes: EYS (EGF-like photoreceptor maintenance factor; minus strand), PHF3 (PHD finger protein 3; plus strand). Cytogenetic location: 6q12.
Variant type: Deletion.
Coding change: c.8678del on transcript NM_001142800.2 (MANE Select); coding-DNA position 8678, one base deleted (A; older notation c.8678delA).
Protein change: p.Asn2893fs; shifts the reading frame from asparagine 2893.
Molecular consequence: frameshift variant. On other transcripts: 3 prime UTR variant (5).
Genome position (GRCh38, 1-based): chr6:63,721,353, T deleted on the plus strand (A on the coding strand, the reverse complement: EYS is on the minus strand); the first of 3 consecutive T bases (chr6:63,721,353-63,721,355); deleting any one gives the same sequence. VCF-style (leftmost placement, unchanged base first): chr6-63721352-AT-A. GRCh37 (hg19) VCF-style: chr6-64431248-AT-A.
Other names: c.*7647del (NM_001290259.2, NM_001370348.2, NM_001370349.2 and 2 more transcripts); c.8741del, p.Asn2914fs (NM_001292009.2); short protein forms N2914fs, N2893fs.
Identifiers: ClinVar variation 517188 (VCV000517188.4), dbSNP rs1554163929, ClinGen allele CA658796781.
Genomic context (GRCh38, chr6:63,721,352, plus strand): 5'-AGACTGGTTACATGTATTTCCAGCCCAATCTGGCAAACATCTGCAAGAAAAAGTTGTGCC[AT>A]TTACTGTACATTCACCTCCATTTCTGCATGTGTTGTACCCACAGGCTGTCCCATCACAGT-3'

ClinVar aggregate classification (germline): Likely pathogenic (1 of 4 stars; one submission).

Conditions:
Retinitis pigmentosa (RP). Identifiers: Orphanet 791, MedGen C0035334, MeSH D012174, MONDO:0019200, OMIM 268000. Inheritance: Autosomal dominant, autosomal recessive and X linked inheritance.

Submission:

Laboratory for Molecular Medicine, Mass General Brigham Personalized Medicine
Classification: Likely pathogenic for Retinitis pigmentosa. Last evaluated: 2017-01-27. Review status: criteria provided, single submitter. Criteria: LMM Criteria. Collection method: clinical testing. Allele origin: germline. Inheritance: Autosomal recessive inheritance. Observed: 1 variant allele.
Comment: The p.Asn2893MetfsX25 (NM_001142800.1 c.8678delA) variant in EYS has not been pr eviously reported in individuals with retinitis pigmentosa. Data from large popu lation studies is of insufficient coverage at this location to assess the freque ncy of this variant. This variant is predicted to cause a frameshift, which alte rs the protein?s amino acid sequence beginning at position 2893 and leads to a p remature termination codon 25 amino acids downstream. This alteration is then pr edicted to lead to a truncated or absent protein. Biallelic loss of function of the EYS gene is an established disease mechanism in retinitis pigmentosa. In sum mary, although additional studies are required to fully establish its clinical s ignificance, the p.Asn2893MetfsX25 variant is likely pathogenic for retinitis pi gmentosa in an autosomal recessive manner based upon its predicted functional im pact.